The following is an entry in ClinVar:

ClinVar aggregate classification (germline): Pathogenic (1 of 4 stars; one submission).

Conditions:
Cutis laxa, X-linked (OHS). Also called: EDS IX; Occipital horn syndrome. Identifiers: Orphanet 198, MedGen C0268353, MONDO:0010572, OMIM 304150.
X-linked distal spinal muscular atrophy type 3. Also called: SPINAL MUSCULAR ATROPHY, DISTAL, X-LINKED RECESSIVE; ATP7A-Related Distal Motor Neuropathy; NEURONOPATHY, DISTAL HEREDITARY MOTOR, X-LINKED; NEUROPATHY, DISTAL HEREDITARY MOTOR, X-LINKED. Identifiers: Orphanet 139557, MedGen C1845359, MONDO:0010338, OMIM 300489.
Menkes kinky-hair syndrome (MNK). Also called: Copper transport disease; Classic Menkes Disease; Menkes Disease. Identifiers: Orphanet 565, MedGen C0022716, MONDO:0010651, OMIM 309400.

Submission:

Labcorp Genetics (formerly Invitae), Labcorp
Classification: Pathogenic for X-linked distal spinal muscular atrophy type 3; Cutis laxa, X-linked; Menkes kinky-hair syndrome. Last evaluated: 2021-03-15. Review status: criteria provided, single submitter. Criteria: Invitae Variant Classification Sherloc (09022015). Collection method: clinical testing. Allele origin: germline.
Comment: For these reasons, this variant has been classified as Pathogenic. This nonsense change has been observed in individual(s) with clinical features of ATP7A-related conditions (PMID: 23281160). This variant is not present in population databases (ExAC no frequency). This sequence change creates a premature translational stop signal (p.Trp729*) in the ATP7A gene. It is expected to result in an absent or disrupted protein product. Loss-of-function variants in ATP7A are known to be pathogenic (PMID: 11241493, 20652413).

Literature cited by the submitters: PubMed 23281160; PubMed 11241493; PubMed 20652413.

NM_000052.7(ATP7A):c.2186G>A (p.Trp729Ter)

Gene: ATP7A (ATPase copper transporting alpha; plus strand). Cytogenetic location: Xq21.1.
Variant type: single nucleotide variant.
Coding change: c.2186G>A on transcript NM_000052.7 (MANE Select); coding-DNA position 2186, G replaced by A.
Protein change: p.Trp729Ter; replaces tryptophan 729 with a stop codon.
Molecular consequence: nonsense. On other transcripts: intron variant (1).
Genome position (GRCh38, 1-based): chrX:78,012,892, G>A. VCF-style: chrX-78012892-G-A. GRCh37 (hg19) VCF-style: chrX-77268389-G-A.
Other names: c.2172+1218G>A (NM_001282224.2); short protein forms W729*.
Identifiers: ClinVar variation 1351221 (VCV001351221.8), dbSNP rs2149095968, ClinGen allele CA413598614.